The following is an entry in ClinVar:

ClinVar aggregate classification (germline): Pathogenic. Review status: criteria provided, multiple submitters, no conflicts (2 of 4 stars). 2 submissions from 2 submitters: Pathogenic (2). Last evaluated 2023-03-02.

Conditions:
Autosomal recessive osteopetrosis 1. Also called: ALBERS-SCHONBERG DISEASE, AUTOSOMAL RECESSIVE; TCIRG1-Related Autosomal Recessive Osteopetrosis; TCIRG1-Related Osteopetrosis. Identifiers: Orphanet 667, MedGen C1850127, MONDO:0009815, OMIM 259700.

Submissions (3):

Baylor Genetics
Classification: Pathogenic for Autosomal recessive osteopetrosis 1. Last evaluated: 2023-03-02. Review status: criteria provided, single submitter. Criteria: ACMG Guidelines, 2015. Collection method: clinical testing. Allele origin: unknown.

Labcorp Genetics (formerly Invitae), Labcorp
Classification: Pathogenic. Last evaluated: 2023-02-22. Review status: criteria provided, single submitter. Criteria: Invitae Variant Classification Sherloc (09022015). Collection method: clinical testing. Allele origin: germline.
Comment: For these reasons, this variant has been classified as Pathogenic. Studies have shown that disruption of this splice site results in abnormally spliced transcripts and introduces a premature termination codon (PMID: 10888887). The resulting mRNA is expected to undergo nonsense-mediated decay. Disruption of this splice site has been observed in individuals with autosomal recessive osteopetrosis (PMID: 10888887, 15300850; Invitae). This variant is not present in population databases (gnomAD no frequency). This sequence change affects an acceptor splice site in intron 14 of the TCIRG1 gene. RNA analysis indicates that disruption of this splice site induces altered splicing and may result in an absent or disrupted protein product.

Dr. Peter K. Rogan Lab, Western University
No classification provided (evidence only). Condition: Thyroid cancer, nonmedullary, 1. Review status: no classification provided. Collection method: in vitro. Allele origin: not applicable. Functional consequence: retained intron. Not counted in ClinVar's aggregate classification.

Literature cited by the submitters: PubMed 10888887 (cited by Labcorp Genetics (formerly Invitae), Labcorp); PubMed 15300850 (cited by Labcorp Genetics (formerly Invitae), Labcorp).

NM_006019.4(TCIRG1):c.1674-1G>C

Gene: TCIRG1 (T cell immune regulator 1, ATPase H+ transporting V0 subunit a3; plus strand). Cytogenetic location: 11q13.2.
Variant type: single nucleotide variant.
Coding change: c.1674-1G>C on transcript NM_006019.4 (MANE Select); the canonical splice acceptor site of the intron before coding-DNA position 1674, G replaced by C.
Molecular consequence: splice acceptor variant.
Genome position (GRCh38, 1-based): chr11:68,049,080, G>C. VCF-style: chr11-68049080-G-C. GRCh37 (hg19) VCF-style: chr11-67816547-G-C.
Other names: c.780-1G>C (NM_001351059.2); c.1026-1G>C (NM_006053.4).
Identifiers: ClinVar variation 2679127 (VCV002679127.5), dbSNP rs139617644, ClinGen allele CA381585832.